The following is an entry in ClinVar:

NM_001253697.2(ERBIN):c.2695G>T (p.Val899Phe)

Gene: ERBIN (erbb2 interacting protein; plus strand). Cytogenetic location: 5q12.3.
Variant type: single nucleotide variant.
Coding change: c.2695G>T on transcript NM_001253697.2 (MANE Select); coding-DNA position 2695, G replaced by T.
Protein change: p.Val899Phe; replaces valine 899 with phenylalanine.
Molecular consequence: missense variant.
Genome position (GRCh38, 1-based): chr5:66,054,013, G>T. VCF-style: chr5-66054013-G-T. GRCh37 (hg19) VCF-style: chr5-65349841-G-T.
Other names: c.2695G>T, p.Val899Phe (NM_001006600.3, NM_001253698.2, NM_001253699.2 and 1 more transcripts); c.2683G>T, p.Val895Phe (NM_001253701.2); short protein forms V895F, V899F.
Identifiers: ClinVar variation 2771829 (VCV002771829.3), dbSNP rs142415371, ClinGen allele CA359867432.

ClinVar aggregate classification (germline): Uncertain significance (1 of 4 stars; one submission).

gnomAD v4.1: 1 of 1,613,984 alleles (0.000062%); highest among the groups gnomAD compares: Admixed American, 0.0017%; no homozygotes.

Submission:

Labcorp Genetics (formerly Invitae), Labcorp
Classification: Uncertain significance. Last evaluated: 2023-11-12. Review status: criteria provided, single submitter. Criteria: Invitae Variant Classification Sherloc (09022015). Collection method: clinical testing. Allele origin: germline.
Comment: This sequence change replaces valine, which is neutral and non-polar, with phenylalanine, which is neutral and non-polar, at codon 899 of the ERBIN protein (p.Val899Phe). This variant is not present in population databases (gnomAD no frequency). This variant has not been reported in the literature in individuals affected with ERBIN-related conditions. An algorithm developed to predict the effect of missense changes on protein structure and function (PolyPhen-2) suggests that this variant is likely to be tolerated. In summary, the available evidence is currently insufficient to determine the role of this variant in disease. Therefore, it has been classified as a Variant of Uncertain Significance.